The following is an entry in ClinVar:

NM_002878.4(RAD51D):c.881G>T (p.Cys294Phe)

Genes: RAD51D (RAD51 paralog D; minus strand), RAD51L3-RFFL (RAD51L3-RFFL readthrough; minus strand). Cytogenetic location: 17q12.
Variant type: single nucleotide variant.
Coding change: c.881G>T on transcript NM_002878.4 (MANE Select); coding-DNA position 881, G replaced by T.
Protein change: p.Cys294Phe; replaces cysteine 294 with phenylalanine.
Molecular consequence: missense variant. On other transcripts: non-coding transcript variant (3).
Genome position (GRCh38, 1-based): chr17:35,101,223, C>A on the plus strand (G>T on the coding strand, the complement: RAD51D is on the minus strand). VCF-style: chr17-35101223-C-A. GRCh37 (hg19) VCF-style: chr17-33428242-C-A.
Other names: c.941G>T, p.Cys314Phe (NM_001142571.2); c.545G>T, p.Cys182Phe (NM_133629.3); short protein forms C294F, C182F, C314F.
Identifiers: ClinVar variation 4543185 (VCV004543185.1).

ClinVar aggregate classification (germline): Uncertain significance (1 of 4 stars; one submission).

Conditions:
Hereditary cancer-predisposing syndrome. Also called: Tumor predisposition; Hereditary Cancer Syndrome; Hereditary neoplastic syndrome; Neoplastic Syndromes, Hereditary. Identifiers: Orphanet 140162, MedGen C0027672, MeSH D009386, MONDO:0015356.

Submission:

Ambry Genetics
Classification: Uncertain significance for Hereditary cancer-predisposing syndrome. Last evaluated: 2025-10-22. Review status: criteria provided, single submitter. Criteria: Ambry Variant Classification Scheme 2023. Collection method: clinical testing. Allele origin: germline.
Comment: The p.C294F variant (also known as c.881G>T), located in coding exon 9 of the RAD51D gene, results from a G to T substitution at nucleotide position 881. The cysteine at codon 294 is replaced by phenylalanine, an amino acid with highly dissimilar properties. This amino acid position is conserved. In addition, this alteration is predicted to be tolerated by in silico analysis. Based on the available evidence, the clinical significance of this variant remains unclear.